The following is an entry in ClinVar:

NM_000031.6(ALAD):c.-4C>T

Gene: ALAD (aminolevulinate dehydratase; minus strand). Cytogenetic location: 9q32.
Variant type: single nucleotide variant.
Coding change: c.-4C>T on transcript NM_000031.6 (MANE Select); 4 bases upstream of the start codon, C replaced by T.
Molecular consequence: 5 prime UTR variant. On other transcripts: synonymous variant (1).
Genome position (GRCh38, 1-based): chr9:113,393,563, G>A on the plus strand (C>T on the coding strand, the complement: ALAD is on the minus strand). VCF-style: chr9-113393563-G-A. GRCh37 (hg19) VCF-style: chr9-116155843-G-A.
Other names: c.-83C>T (NM_001003945.3); c.24C>T, p.His8= (NM_001317745.2).
Identifiers: ClinVar variation 364658 (VCV000364658.5), dbSNP rs755977870, ClinGen allele CA5196680.

ClinVar aggregate classification (germline): Likely benign (1 of 4 stars; one submission).

Conditions:
Porphobilinogen synthase deficiency. Also called: ALAD DEFICIENCY; DELTA-AMINOLEVULINATE DEHYDRATASE DEFICIENCY; DOSS PORPHYRIA; PORPHYRIA, ALAD; Porphyria due to ALA dehydratase deficiency. Identifiers: Orphanet 100924, MedGen C0268328, MONDO:0013000, OMIM 612740.

Allele frequency attached by ClinVar (database versions not stated): TOPMed 0.00004; gnomAD exomes 0.00042 and 0.00022; gnomAD 0.00014 and 0.00001; ExAC 0.00045.
gnomAD v4.1: 340 of 1,611,174 alleles (0.021%); highest among the groups gnomAD compares: South Asian, 0.3%; 4 homozygotes.

Submission:

Illumina Laboratory Services, Illumina
Classification: Likely benign for Porphobilinogen synthase deficiency. Last evaluated: 2018-01-12. Review status: criteria provided, single submitter. Criteria: ICSL Variant Classification Criteria 13 December 2019. Collection method: clinical testing. Allele origin: germline.
Comment: This variant was observed in the ICSL laboratory as part of a predisposition screen in an ostensibly healthy population. It had not been previously curated by ICSL or reported in the Human Gene Mutation Database (HGMD: prior to June 1st, 2018), and was therefore a candidate for classification through an automated scoring system. Utilizing variant allele frequency, disease prevalence and penetrance estimates, and inheritance mode, an automated score was calculated to assess if this variant is too frequent to cause the disease. Based on the score and internal cut-off values, a variant classified as likely benign is not then subjected to further curation. The score for this variant resulted in a classification of likely benign for this disease.